The following is an entry in ClinVar:

ClinVar aggregate classification (germline): Conflicting classifications of pathogenicity. Review status: criteria provided, conflicting classifications (1 of 4 stars). 2 submissions from 2 submitters: Uncertain significance (1); Likely benign (1). Last evaluated 2026-06-19.

Allele frequency attached by ClinVar (database versions not stated): TOPMed 0.00001; gnomAD exomes below 0.00001; gnomAD 0.00001.
gnomAD v4.1: 5 of 1,608,300 alleles (0.00031%); highest among the groups gnomAD compares: Admixed American, 0.005%; no homozygotes.

Submissions (2):

Women's Health and Genetics/Laboratory Corporation of America, LabCorp
Classification: Likely benign. Last evaluated: 2026-06-19. Review status: criteria provided, single submitter. Criteria: LabCorp Variant Classification Summary - May 2015. Collection method: clinical testing. Allele origin: germline.

Labcorp Genetics (formerly Invitae), Labcorp
Classification: Uncertain significance. Last evaluated: 2022-08-27. Review status: criteria provided, single submitter. Criteria: Invitae Variant Classification Sherloc (09022015). Collection method: clinical testing. Allele origin: germline.
Comment: This sequence change falls in intron 19 of the COL4A3 gene. It does not directly change the encoded amino acid sequence of the COL4A3 protein. This variant is present in population databases (no rsID available, gnomAD 0.009%). This variant has not been reported in the literature in individuals affected with COL4A3-related conditions. Algorithms developed to predict the effect of sequence changes on RNA splicing suggest that this variant may disrupt the consensus splice site. In summary, the available evidence is currently insufficient to determine the role of this variant in disease. Therefore, it has been classified as a Variant of Uncertain Significance.

NM_000091.5(COL4A3):c.1115-11T>C

Genes: COL4A3 (collagen type IV alpha 3 chain; plus strand), MFF-DT (MFF divergent transcript; minus strand). Cytogenetic location: 2q36.3.
Variant type: single nucleotide variant.
Coding change: c.1115-11T>C on transcript NM_000091.5 (MANE Select); 11 bases into the intron before coding-DNA position 1115, T replaced by C.
Molecular consequence: intron variant.
Genome position (GRCh38, 1-based): chr2:227,261,071, T>C. VCF-style: chr2-227261071-T-C. GRCh37 (hg19) VCF-style: chr2-228125787-T-C.
Identifiers: ClinVar variation 2139384 (VCV002139384.2), dbSNP rs1038782805, ClinGen allele CA66629768.